The following is an entry in ClinVar:

NM_014946.4(SPAST):c.167dup (p.Leu57fs)

Gene: SPAST (spastin; plus strand). Cytogenetic location: 2p22.3.
Variant type: Duplication.
Coding change: c.167dup on transcript NM_014946.4 (MANE Select); coding-DNA position 167, one base duplicated (C; older notation c.167dupC).
Protein change: p.Leu57fs; shifts the reading frame from leucine 57.
Molecular consequence: frameshift variant.
Genome position (GRCh38, 1-based): chr2:32,063,998, C duplicated; the last of 3 consecutive C bases (chr2:32,063,996-32,063,998); duplicating any one gives the same sequence. VCF-style (leftmost placement, unchanged base first): chr2-32063995-A-AC. GRCh37 (hg19) VCF-style: chr2-32289064-A-AC.
Other names: c.167dup, p.Leu57fs (NM_001363823.2, NM_001363875.2, NM_001377959.1 and 1 more transcripts); short protein forms L57fs.
Identifiers: ClinVar variation 1807008 (VCV001807008.4), dbSNP rs2465681048, ClinGen allele CA2580066379.

ClinVar aggregate classification (germline): Pathogenic. Review status: criteria provided, multiple submitters, no conflicts (2 of 4 stars). 2 submissions from 2 submitters: Pathogenic (2). Last evaluated 2023-01-25.

Conditions:
Hereditary spastic paraplegia 4. Also called: Spastic Paraplegia 4; Spastic paraplegia 4, autosomal dominant; Familial spastic paraplegia autosomal dominant 2. Identifiers: Orphanet 100985, MedGen C1866855, MONDO:0008438, OMIM 182601.

Submissions (2):

Labcorp Genetics (formerly Invitae), Labcorp
Classification: Pathogenic for Hereditary spastic paraplegia 4. Last evaluated: 2023-01-25. Review status: criteria provided, single submitter. Criteria: Invitae Variant Classification Sherloc (09022015). Collection method: clinical testing. Allele origin: germline.
Comment: For these reasons, this variant has been classified as Pathogenic. ClinVar contains an entry for this variant (Variation ID: 1807008). This variant has not been reported in the literature in individuals affected with SPAST-related conditions. This variant is not present in population databases (gnomAD no frequency). This sequence change creates a premature translational stop signal (p.Leu57Alafs*79) in the SPAST gene. It is expected to result in an absent or disrupted protein product. Loss-of-function variants in SPAST are known to be pathogenic (PMID: 20932283).

Athena Diagnostics
Classification: Pathogenic. Last evaluated: 2022-02-28. Review status: criteria provided, single submitter. Criteria: Athena Diagnostics Criteria. Collection method: clinical testing. Allele origin: unknown.
Comment: This variant is expected to result in the loss of a functional protein. This variant has not been reported in large, multi-ethnic general populations. This variant has been identified in at least one individual tested at Athena Diagnostics with clinical features associated with this gene.

Literature cited by the submitters: PubMed 20932283 (cited by Labcorp Genetics (formerly Invitae), Labcorp).